The following is an entry in ClinVar:

ClinVar aggregate classification (germline): Uncertain significance (1 of 4 stars; one submission).

Allele frequency attached by ClinVar (database versions not stated): ExAC 0.00001; gnomAD 0.00001; gnomAD exomes 0.00002; TOPMed 0.00002.
gnomAD v4.1: 13 of 1,614,114 alleles (0.00081%); highest among the groups gnomAD compares: South Asian, 0.0044%; no homozygotes.

Submission:

Labcorp Genetics (formerly Invitae), Labcorp
Classification: Uncertain significance. Last evaluated: 2022-07-09. Review status: criteria provided, single submitter. Criteria: Invitae Variant Classification Sherloc (09022015). Collection method: clinical testing. Allele origin: germline.
Comment: This sequence change replaces proline, which is neutral and non-polar, with leucine, which is neutral and non-polar, at codon 1269 of the LTBP2 protein (p.Pro1269Leu). This variant is present in population databases (rs542874874, gnomAD 0.003%). This variant has not been reported in the literature in individuals affected with LTBP2-related conditions. ClinVar contains an entry for this variant (Variation ID: 1497842). Algorithms developed to predict the effect of missense changes on protein structure and function output the following: SIFT: "Deleterious"; PolyPhen-2: "Benign"; Align-GVGD: "Class C15". The leucine amino acid residue is found in multiple mammalian species, which suggests that this missense change does not adversely affect protein function. In summary, the available evidence is currently insufficient to determine the role of this variant in disease. Therefore, it has been classified as a Variant of Uncertain Significance.

NM_000428.3(LTBP2):c.3806C>T (p.Pro1269Leu)

Gene: LTBP2 (latent transforming growth factor beta binding protein 2; minus strand). Cytogenetic location: 14q24.3.
Variant type: single nucleotide variant.
Coding change: c.3806C>T on transcript NM_000428.3 (MANE Select); coding-DNA position 3806, C replaced by T.
Protein change: p.Pro1269Leu; replaces proline 1269 with leucine.
Molecular consequence: missense variant.
Genome position (GRCh38, 1-based): chr14:74,507,280, G>A on the plus strand (C>T on the coding strand, the complement: LTBP2 is on the minus strand). VCF-style: chr14-74507280-G-A. GRCh37 (hg19) VCF-style: chr14-74973983-G-A.
Other names: short protein forms P1269L.
Identifiers: ClinVar variation 1497842 (VCV001497842.4), dbSNP rs542874874, ClinGen allele CA7269024.
Genomic context (GRCh38, chr14:74,507,280, plus strand): 5'-CAGCCCAGAACACAGCGGTAGGAGCCAGGGCTGTTTTCACACTTCCAGGTGCCACACACC[G>A]GGTCTCCATAGTCCTCACACTCGTCAATATCTGTCCCCAGAGCCATGCCATGAGAGAGGA-3'
Protein context (NP_000419.1, residues 1259-1279): DIDECEDYGD[Pro1269Leu]VCGTWKCENS